The following is an entry in ClinVar:

NM_005632.3(CAPN15):c.1480C>T (p.Pro494Ser)

Gene: CAPN15 (calpain 15; plus strand). Cytogenetic location: 16p13.3.
Variant type: single nucleotide variant.
Coding change: c.1480C>T on transcript NM_005632.3 (MANE Select); coding-DNA position 1480, C replaced by T.
Protein change: p.Pro494Ser; replaces proline 494 with serine.
Molecular consequence: missense variant.
Genome position (GRCh38, 1-based): chr16:549,023, C>T. VCF-style: chr16-549023-C-T. GRCh37 (hg19) VCF-style: chr16-599023-C-T.
Other names: short protein forms P494S.
Identifiers: ClinVar variation 2630204 (VCV002630204.1), dbSNP rs2505842019, ClinGen allele CA394035847.

ClinVar aggregate classification (germline): Uncertain significance (1 of 4 stars; one submission).

Conditions:
CAPN15-related disorder. Also called: CAPN15-related condition.

Submission:

PreventionGenetics, part of Exact Sciences
Classification: Uncertain significance for CAPN15-related condition. Last evaluated: 2023-02-03. Review status: criteria provided, single submitter. Criteria: ACMG Guidelines, 2015. Collection method: clinical testing. Allele origin: germline.
Comment: The CAPN15 c.1480C>T variant is predicted to result in the amino acid substitution p.Pro494Ser. To our knowledge, this variant has not been reported in the literature or in a large population database, indicating this variant is rare. At this time, the clinical significance of this variant is uncertain due to the absence of conclusive functional and genetic evidence.